The following is an entry in ClinVar:

NM_006017.3(PROM1):c.1162T>C (p.Ser388Pro)

Gene: PROM1 (prominin 1; minus strand). Cytogenetic location: 4p15.32.
Variant type: single nucleotide variant.
Coding change: c.1162T>C on transcript NM_006017.3 (MANE Select); coding-DNA position 1162, T replaced by C.
Protein change: p.Ser388Pro; replaces serine 388 with proline.
Molecular consequence: missense variant.
Genome position (GRCh38, 1-based): chr4:16,009,088, A>G on the plus strand (T>C on the coding strand, the complement: PROM1 is on the minus strand). VCF-style: chr4-16009088-A-G. GRCh37 (hg19) VCF-style: chr4-16010711-A-G.
Other names: c.1135T>C, p.Ser379Pro (NM_001145847.2, NM_001145848.2, NM_001145851.2 and 4 more transcripts); c.1162T>C, p.Ser388Pro (NM_001145849.2, NM_001145850.2); short protein forms S379P, S388P.
Identifiers: ClinVar variation 2057116 (VCV002057116.4), dbSNP rs1443764084, ClinGen allele CA356437197.

ClinVar aggregate classification (germline): Uncertain significance (1 of 4 stars; one submission).

Allele frequency attached by ClinVar (database versions not stated): gnomAD exomes below 0.00001.
gnomAD v4.1: 1 of 1,613,090 alleles (0.000062%); highest among the groups gnomAD compares: African/African-American, 0.0013%; no homozygotes.

Submission:

Labcorp Genetics (formerly Invitae), Labcorp
Classification: Uncertain significance. Last evaluated: 2023-06-16. Review status: criteria provided, single submitter. Criteria: Invitae Variant Classification Sherloc (09022015). Collection method: clinical testing. Allele origin: germline.
Comment: In summary, the available evidence is currently insufficient to determine the role of this variant in disease. Therefore, it has been classified as a Variant of Uncertain Significance. ClinVar contains an entry for this variant (Variation ID: 2057116). This variant has not been reported in the literature in individuals affected with PROM1-related conditions. This variant is not present in population databases (gnomAD no frequency). This sequence change replaces serine, which is neutral and polar, with proline, which is neutral and non-polar, at codon 388 of the PROM1 protein (p.Ser388Pro). Advanced modeling of protein sequence and biophysical properties (such as structural, functional, and spatial information, amino acid conservation, physicochemical variation, residue mobility, and thermodynamic stability) performed at Invitae indicates that this missense variant is expected to disrupt PROM1 protein function.